The following is an entry in ClinVar:

NM_001958.5(EEF1A2):c.369C>A (p.Phe123Leu)

Gene: EEF1A2 (eukaryotic translation elongation factor 1 alpha 2; minus strand). Cytogenetic location: 20q13.33.
Variant type: single nucleotide variant.
Coding change: c.369C>A on transcript NM_001958.5 (MANE Select); coding-DNA position 369, C replaced by A.
Protein change: p.Phe123Leu; replaces phenylalanine 123 with leucine.
Molecular consequence: missense variant.
Genome position (GRCh38, 1-based): chr20:63,495,057, G>T on the plus strand (C>A on the coding strand, the complement: EEF1A2 is on the minus strand). VCF-style: chr20-63495057-G-T. GRCh37 (hg19) VCF-style: chr20-62126410-G-T.
Other names: short protein forms F123L.
Identifiers: ClinVar variation 2001900 (VCV002001900.4), dbSNP rs375710105, ClinGen allele CA409650367.

ClinVar aggregate classification (germline): Uncertain significance (1 of 4 stars; one submission).

Conditions:
Developmental and epileptic encephalopathy, 33 (DEE33). Also called: Epileptic encephalopathy, early infantile, 33. Identifiers: Orphanet 442835, MedGen C4225337, MONDO:0014625, OMIM 616409.

Submission:

Labcorp Genetics (formerly Invitae), Labcorp
Classification: Uncertain significance for Developmental and epileptic encephalopathy, 33. Last evaluated: 2024-05-15. Review status: criteria provided, single submitter. Criteria: Invitae Variant Classification Sherloc (09022015). Collection method: clinical testing. Allele origin: germline.
Comment: This sequence change replaces phenylalanine, which is neutral and non-polar, with leucine, which is neutral and non-polar, at codon 123 of the EEF1A2 protein (p.Phe123Leu). This variant is not present in population databases (gnomAD no frequency). This variant has not been reported in the literature in individuals affected with EEF1A2-related conditions. ClinVar contains an entry for this variant (Variation ID: 2001900). Advanced modeling of protein sequence and biophysical properties (such as structural, functional, and spatial information, amino acid conservation, physicochemical variation, residue mobility, and thermodynamic stability) performed at Invitae indicates that this missense variant is not expected to disrupt EEF1A2 protein function with a negative predictive value of 80%. In summary, the available evidence is currently insufficient to determine the role of this variant in disease. Therefore, it has been classified as a Variant of Uncertain Significance.